The following is an entry in ClinVar:

NM_004385.5(VCAN):c.6724C>A (p.Pro2242Thr)

Genes: VCAN (versican; plus strand), VCAN-AS1 (VCAN antisense RNA 1; minus strand). Cytogenetic location: 5q14.3.
Variant type: single nucleotide variant.
Coding change: c.6724C>A on transcript NM_004385.5 (MANE Select); coding-DNA position 6724, C replaced by A.
Protein change: p.Pro2242Thr; replaces proline 2242 with threonine.
Molecular consequence: missense variant. On other transcripts: intron variant (2).
Genome position (GRCh38, 1-based): chr5:83,539,727, C>A. VCF-style: chr5-83539727-C-A. GRCh37 (hg19) VCF-style: chr5-82835546-C-A.
Other names: c.3763C>A, p.Pro1255Thr (NM_001164097.2); c.4004-5810C>A (NM_001164098.2); c.1043-5810C>A (NM_001126336.3); short protein forms P2242T, P1255T.
Identifiers: ClinVar variation 1356009 (VCV001356009.8), dbSNP rs2112445537, ClinGen allele CA360313197.

ClinVar aggregate classification (germline): Uncertain significance (1 of 4 stars; one submission).

Submission:

Labcorp Genetics (formerly Invitae), Labcorp
Classification: Uncertain significance. Last evaluated: 2021-02-09. Review status: criteria provided, single submitter. Criteria: Invitae Variant Classification Sherloc (09022015). Collection method: clinical testing. Allele origin: germline.
Comment: Algorithms developed to predict the effect of missense changes on protein structure and function (SIFT, PolyPhen-2, Align-GVGD) all suggest that this variant is likely to be tolerated, but these predictions have not been confirmed by published functional studies and their clinical significance is uncertain. In summary, the available evidence is currently insufficient to determine the role of this variant in disease. Therefore, it has been classified as a Variant of Uncertain Significance. This variant has not been reported in the literature in individuals with VCAN-related conditions. This variant is not present in population databases (ExAC no frequency). This sequence change replaces proline with threonine at codon 2242 of the VCAN protein (p.Pro2242Thr). The proline residue is highly conserved and there is a small physicochemical difference between proline and threonine.